The following is an entry in ClinVar:

NM_015909.4(NBAS):c.3884A>G (p.His1295Arg)

Gene: NBAS (NBAS subunit of NRZ tethering complex; minus strand). Cytogenetic location: 2p24.3.
Variant type: single nucleotide variant.
Coding change: c.3884A>G on transcript NM_015909.4 (MANE Select); coding-DNA position 3884, A replaced by G.
Protein change: p.His1295Arg; replaces histidine 1295 with arginine.
Molecular consequence: missense variant. On other transcripts: non-coding transcript variant (1).
Genome position (GRCh38, 1-based): chr2:15,356,350, T>C on the plus strand (A>G on the coding strand, the complement: NBAS is on the minus strand). VCF-style: chr2-15356350-T-C. GRCh37 (hg19) VCF-style: chr2-15496474-T-C.
Other names: c.3884A>G (NM_015909.2); short protein forms H1295R.
Identifiers: ClinVar variation 1397091 (VCV001397091.5), dbSNP rs147696370, ClinGen allele CA42625057.
Genomic context (GRCh38, chr2:15,356,350, plus strand): 5'-GCTGTCTACTCACCTGTGGCCATCAGCTCCTGACAATGCATACTGGCTGCTTTGTAGTCA[T>C]GGAAGCGAAGTGCCTGCTCCACTAAAAGGATTAGAACCTGTCCCCGCCTTTCTTCTGGGT-3'
Protein context (NP_056993.2, residues 1285-1305): ILLVEQALRF[His1295Arg]DYKAASMHCQ

ClinVar aggregate classification (germline): Uncertain significance. Review status: criteria provided, multiple submitters, no conflicts (2 of 4 stars). 2 submissions from 2 submitters: Uncertain significance (2). Last evaluated 2023-04-11.

Conditions:
Inborn genetic diseases. Identifiers: MedGen C0950123, MeSH D030342.

Allele frequency attached by ClinVar (database versions not stated): TOPMed below 0.00001; gnomAD 0.00001; ESP Exome Variant Server 0.00008.
gnomAD v4.1: 5 of 1,613,812 alleles (0.00031%); highest among the groups gnomAD compares: African/African-American, 0.0013%; no homozygotes.

Submissions (2):

Ambry Genetics
Classification: Uncertain significance for Inborn genetic diseases. Last evaluated: 2023-04-11. Review status: criteria provided, single submitter. Criteria: Ambry Variant Classification Scheme 2023. Collection method: clinical testing. Allele origin: germline.

Labcorp Genetics (formerly Invitae), Labcorp
Classification: Uncertain significance. Last evaluated: 2021-09-30. Review status: criteria provided, single submitter. Criteria: Invitae Variant Classification Sherloc (09022015). Collection method: clinical testing. Allele origin: germline.
Comment: In summary, the available evidence is currently insufficient to determine the role of this variant in disease. Therefore, it has been classified as a Variant of Uncertain Significance. Algorithms developed to predict the effect of missense changes on protein structure and function are either unavailable or do not agree on the potential impact of this missense change (SIFT: "Deleterious"; PolyPhen-2: "Benign"; Align-GVGD: "Class C25"). This variant has not been reported in the literature in individuals affected with NBAS-related conditions. This variant is not present in population databases (ExAC no frequency). This sequence change replaces histidine with arginine at codon 1295 of the NBAS protein (p.His1295Arg). The histidine residue is highly conserved and there is a small physicochemical difference between histidine and arginine.